The following is an entry in ClinVar:

NM_001134363.3(RBM20):c.1357C>G (p.Leu453Val)

Gene: RBM20 (RNA binding motif protein 20; plus strand). Cytogenetic location: 10q25.2.
Variant type: single nucleotide variant.
Coding change: c.1357C>G on transcript NM_001134363.3 (MANE Select); coding-DNA position 1357, C replaced by G.
Protein change: p.Leu453Val; replaces leucine 453 with valine.
Molecular consequence: missense variant.
Genome position (GRCh38, 1-based): chr10:110,784,360, C>G. VCF-style: chr10-110784360-C-G. GRCh37 (hg19) VCF-style: chr10-112544118-C-G.
Other names: short protein forms L453V.
Identifiers: ClinVar variation 2449386 (VCV002449386.2), dbSNP rs2493421099, ClinGen allele CA378387652.
Genomic context (GRCh38, chr10:110,784,360, plus strand): 5'-AACTTATTAAGGAGCCGGTTTCCCTTTCTCGCCCTCTCCAGTGCTGGCATCCGGTGTATA[C>G]TTGGTTCGGCAGAGGGAACATTGTGTGCTTCTCCCAACAGCACAGCTGTTTATAACCCTG-3'
Protein context (NP_001127835.2, residues 443-463): FSENAGIRCI[Leu453Val]GSAEGTLCAS

ClinVar aggregate classification (germline): Uncertain significance (1 of 4 stars; one submission).

Conditions:
Cardiovascular phenotype. Identifiers: MedGen CN230736.

Submission:

Ambry Genetics
Classification: Uncertain significance for Cardiovascular phenotype. Last evaluated: 2022-12-06. Review status: criteria provided, single submitter. Criteria: Ambry Variant Classification Scheme 2023. Collection method: clinical testing. Allele origin: germline.
Comment: The p.L453V variant (also known as c.1357C>G), located in coding exon 4 of the RBM20 gene, results from a C to G substitution at nucleotide position 1357. The leucine at codon 453 is replaced by valine, an amino acid with highly similar properties. This amino acid position is conserved. In addition, this alteration is predicted to be tolerated by in silico analysis. Since supporting evidence is limited at this time, the clinical significance of this alteration remains unclear.